The following is an entry in ClinVar:

ClinVar aggregate classification (germline): Pathogenic (1 of 4 stars; one submission).

Conditions:
Cardiovascular phenotype. Identifiers: MedGen CN230736.

Submission:

Ambry Genetics
Classification: Pathogenic for Cardiovascular phenotype. Last evaluated: 2021-10-25. Review status: criteria provided, single submitter. Criteria: Ambry Variant Classification Scheme 2023. Collection method: clinical testing. Allele origin: germline.
Comment: The c.1827_1848del22insTACAGCTT pathogenic mutation, located in coding exon 19 of the MYBPC3 gene, results from the deletion of 22 nucleotides and insertion of 8 nucleotides causing a translational frameshift with a predicted alternate stop codon (p.D610TFS*23). This alteration is expected to result in loss of function by premature protein truncation or nonsense-mediated mRNA decay. As such, this alteration is interpreted as a disease-causing mutation.

NM_000256.3(MYBPC3):c.1827_1846delinsTACAGC (p.Asp610fs)

Gene: MYBPC3 (myosin binding protein C3; minus strand). Cytogenetic location: 11p11.2.
Variant type: Indel.
Coding change: c.1827_1846delinsTACAGC on transcript NM_000256.3 (MANE Select); coding-DNA positions 1827 to 1846, CGACGAGGCTGACTACAGCT replaced by TACAGC.
Protein change: p.Asp610fs; shifts the reading frame from aspartic acid 610.
Molecular consequence: frameshift variant.
Genome position (GRCh38, 1-based): chr11:47,341,189-47,341,208, AGCTGTAGTCAGCCTCGTCG replaced by GCTGTA on the plus strand (CGACGAGGCTGACTACAGCT replaced by TACAGC on the coding strand, the reverse complement: MYBPC3 is on the minus strand). VCF-style: chr11-47341189-AGCTGTAGTCAGCCTCGTCG-GCTGTA. GRCh37 (hg19) VCF-style: chr11-47362740-AGCTGTAGTCAGCCTCGTCG-GCTGTA.
Other names: c.1827_1846delinsTACAGC, p.Asp610fs (LRG_386t1); short protein forms D610fs.
Identifiers: ClinVar variation 520312 (VCV000520312.5), dbSNP rs1555121907, ClinGen allele CA658797629.